The following is an entry in ClinVar:

ClinVar aggregate classification (germline): Uncertain significance. Review status: criteria provided, multiple submitters, no conflicts (2 of 4 stars). 2 submissions from 2 submitters: Uncertain significance (2). Last evaluated 2025-01-01.

gnomAD v4.1: 1 of 1,613,838 alleles (0.000062%); highest among the groups gnomAD compares: Non-Finnish European, 0.000085%; no homozygotes.

Submissions (2):

CeGaT Center for Human Genetics Tuebingen
Classification: Uncertain significance. Last evaluated: 2025-01-01. Review status: criteria provided, single submitter. Criteria: CeGaT Center For Human Genetics Tuebingen Variant Classification Criteria Version 2. Collection method: clinical testing. Allele origin: germline. Affected: yes. Observed: 1 variant allele.
Comment: CHD8: PP2

GeneDx
Classification: Uncertain significance. Last evaluated: 2022-05-12. Review status: criteria provided, single submitter. Criteria: GeneDx Variant Classification Process June 2021. Collection method: clinical testing. Allele origin: germline. Affected: yes.
Comment: Not observed at significant frequency in large population cohorts (gnomAD); In silico analysis supports that this missense variant has a deleterious effect on protein structure/function; Has not been previously published as pathogenic or benign to our knowledge

NM_001170629.2(CHD8):c.2304T>G (p.Asp768Glu)

Gene: CHD8 (chromodomain helicase DNA binding protein 8; minus strand). Cytogenetic location: 14q11.2.
Variant type: single nucleotide variant.
Coding change: c.2304T>G on transcript NM_001170629.2 (MANE Select); coding-DNA position 2304, T replaced by G.
Protein change: p.Asp768Glu; replaces aspartic acid 768 with glutamic acid.
Molecular consequence: missense variant.
Genome position (GRCh38, 1-based): chr14:21,409,911, A>C on the plus strand (T>G on the coding strand, the complement: CHD8 is on the minus strand). VCF-style: chr14-21409911-A-C. GRCh37 (hg19) VCF-style: chr14-21878070-A-C.
Other names: c.1467T>G, p.Asp489Glu (NM_020920.4); short protein forms D489E, D768E.
Identifiers: ClinVar variation 1723593 (VCV001723593.15), dbSNP rs2501930088, ClinGen allele CA388876498.